The following is an entry in ClinVar:

NM_000419.5(ITGA2B):c.2594C>T (p.Pro865Leu)

Gene: ITGA2B (integrin subunit alpha 2b; minus strand). Cytogenetic location: 17q21.31.
Variant type: single nucleotide variant.
Coding change: c.2594C>T on transcript NM_000419.5 (MANE Select); coding-DNA position 2594, C replaced by T.
Protein change: p.Pro865Leu; replaces proline 865 with leucine.
Molecular consequence: missense variant.
Genome position (GRCh38, 1-based): chr17:44,375,840, G>A on the plus strand (C>T on the coding strand, the complement: ITGA2B is on the minus strand). VCF-style: chr17-44375840-G-A. GRCh37 (hg19) VCF-style: chr17-42453208-G-A.
Other names: short protein forms P865L.
Identifiers: ClinVar variation 3709990 (VCV003709990.2).

ClinVar aggregate classification (germline): Uncertain significance (1 of 4 stars; one submission).

Conditions:
Glanzmann thrombasthenia. Also called: Glanzmann's thrombasthenia; BLEEDING DISORDER, PLATELET-TYPE, 2; THROMBASTHENIA OF GLANZMANN AND NAEGELI; Thrombasthenia; PLATELET GLYCOPROTEIN IIb-IIIa DEFICIENCY. Identifiers: Orphanet 849, MedGen C0040015, MONDO:0100326.

Submission:

Labcorp Genetics (formerly Invitae), Labcorp
Classification: Uncertain significance for Glanzmann thrombasthenia. Last evaluated: 2024-08-05. Review status: criteria provided, single submitter. Criteria: Invitae Variant Classification Sherloc (09022015). Collection method: clinical testing. Allele origin: germline.
Comment: This sequence change replaces proline, which is neutral and non-polar, with leucine, which is neutral and non-polar, at codon 865 of the ITGA2B protein (p.Pro865Leu). This variant is not present in population databases (gnomAD no frequency). This variant has not been reported in the literature in individuals affected with ITGA2B-related conditions. Advanced modeling of protein sequence and biophysical properties (such as structural, functional, and spatial information, amino acid conservation, physicochemical variation, residue mobility, and thermodynamic stability) performed at Invitae indicates that this missense variant is not expected to disrupt ITGA2B protein function with a negative predictive value of 80%. In summary, the available evidence is currently insufficient to determine the role of this variant in disease. Therefore, it has been classified as a Variant of Uncertain Significance.